The following is an entry in ClinVar:

ClinVar aggregate classification (germline): Benign/Likely benign. Review status: criteria provided, multiple submitters, no conflicts (2 of 4 stars). 4 submissions from 4 submitters: Benign (3); Likely benign (1). Last evaluated 2024-07-01.

Allele frequency attached by ClinVar (database versions not stated): gnomAD exomes 0.00035 and 0.00095; ExAC 0.00116; 1000 Genomes Project 30x 0.00344; 1000 Genomes Project 0.00359; gnomAD 0.00370 and 0.00391; TOPMed 0.00407; ESP Exome Variant Server 0.00431.
gnomAD v4.1: 1,079 of 1,613,450 alleles (0.067%); highest among the groups gnomAD compares: African/African-American, 1.1%; 6 homozygotes.

Submissions (4):

CeGaT Center for Human Genetics Tuebingen
Classification: Benign. Last evaluated: 2024-07-01. Review status: criteria provided, single submitter. Criteria: CeGaT Center For Human Genetics Tuebingen Variant Classification Criteria Version 2. Collection method: clinical testing. Allele origin: germline. Affected: yes. Observed: 1 variant allele.
Comment: EPO: BP4, BP7, BS1, BS2

Mayo Clinic Laboratories, Mayo Clinic
Classification: Likely benign. Last evaluated: 2024-04-23. Review status: criteria provided, single submitter. Criteria: ACMG Guidelines, 2015. Collection method: clinical testing. Allele origin: germline. Observed: 3 variant alleles.
Comment: BS2, BP4, BP7

Labcorp Genetics (formerly Invitae), Labcorp
Classification: Benign. Last evaluated: 2019-12-31. Review status: criteria provided, single submitter. Criteria: Invitae Variant Classification Sherloc (09022015). Collection method: clinical testing. Allele origin: germline.

Breakthrough Genomics
Classification: Benign. Review status: criteria provided, single submitter. Criteria: ACMG Guidelines, 2015. Collection method: not provided. Allele origin: germline. Inheritance: Autosomal recessive inheritance. Affected: yes.

NM_000799.4(EPO):c.108C>T (p.Ser36=)

Gene: EPO (erythropoietin; plus strand). Cytogenetic location: 7q22.1.
Variant type: single nucleotide variant.
Coding change: c.108C>T on transcript NM_000799.4 (MANE Select); coding-DNA position 108, C replaced by T.
Protein change: p.Ser36=; no amino-acid change (serine 36 retained).
Molecular consequence: synonymous variant.
Genome position (GRCh38, 1-based): chr7:100,721,652, C>T. VCF-style: chr7-100721652-C-T. GRCh37 (hg19) VCF-style: chr7-100319275-C-T.
Other names: p.Ser36=.
Identifiers: ClinVar variation 782270 (VCV000782270.24), dbSNP rs140045752, ClinGen allele CA4389444.